The following is an entry in ClinVar:

NM_001966.4(EHHADH):c.889G>T (p.Val297Phe)

Gene: EHHADH (enoyl-CoA hydratase and 3-hydroxyacyl CoA dehydrogenase; minus strand). Cytogenetic location: 3q27.2.
Variant type: single nucleotide variant.
Coding change: c.889G>T on transcript NM_001966.4 (MANE Select); coding-DNA position 889, G replaced by T.
Protein change: p.Val297Phe; replaces valine 297 with phenylalanine.
Molecular consequence: missense variant.
Genome position (GRCh38, 1-based): chr3:185,204,437, C>A on the plus strand (G>T on the coding strand, the complement: EHHADH is on the minus strand). VCF-style: chr3-185204437-C-A. GRCh37 (hg19) VCF-style: chr3-184922225-C-A.
Other names: c.601G>T, p.Val201Phe (NM_001166415.2); short protein forms V201F, V297F.
Identifiers: ClinVar variation 765022 (VCV000765022.5), dbSNP rs576283902, ClinGen allele CA2739102.

ClinVar aggregate classification (germline): Likely benign. Review status: criteria provided, single submitter (1 of 4 stars). 2 submissions from 2 submitters: Likely benign (1). 1 of the submissions does not count toward it. Last evaluated 2018-09-19.

Conditions:
EHHADH-related disorder. Also called: EHHADH-related condition.

Allele frequency attached by ClinVar (database versions not stated): TOPMed 0.00007; gnomAD 0.00009 and 0.00010; ExAC 0.00020; gnomAD exomes 0.00024; 1000 Genomes Project 0.00060; 1000 Genomes Project 30x 0.00062.
gnomAD v4.1: 85 of 1,608,162 alleles (0.0053%); highest among the groups gnomAD compares: East Asian, 0.18%; no homozygotes.

Submissions (2):

Labcorp Genetics (formerly Invitae), Labcorp
Classification: Likely benign. Last evaluated: 2018-09-19. Review status: criteria provided, single submitter. Criteria: Invitae Variant Classification Sherloc (09022015). Collection method: clinical testing. Allele origin: germline.

PreventionGenetics, part of Exact Sciences
Classification: Likely benign for EHHADH-related condition. Last evaluated: 2023-06-23. Review status: no assertion criteria provided. Collection method: clinical testing. Allele origin: germline. Not counted in ClinVar's aggregate classification.
Comment: This variant is classified as likely benign based on ACMG/AMP sequence variant interpretation guidelines (Richards et al. 2015 PMID: 25741868, with internal and published modifications).